The following is an entry in ClinVar:

NM_007272.3(CTRC):c.203T>C (p.Phe68Ser)

Gene: CTRC (chymotrypsin C; plus strand). Cytogenetic location: 1p36.21.
Variant type: single nucleotide variant.
Coding change: c.203T>C on transcript NM_007272.3 (MANE Select); coding-DNA position 203, T replaced by C.
Protein change: p.Phe68Ser; replaces phenylalanine 68 with serine.
Molecular consequence: missense variant.
Genome position (GRCh38, 1-based): chr1:15,440,563, T>C. VCF-style: chr1-15440563-T-C. GRCh37 (hg19) VCF-style: chr1-15767059-T-C.
Other names: short protein forms F68S.
Identifiers: ClinVar variation 3837297 (VCV003837297.1).
Genomic context (GRCh38, chr1:15,440,563, plus strand): 5'-AGTACCTCAAGAACGACACGTGGAGGCATACGTGTGGCGGGACTTTGATTGCTAGCAACT[T>C]CGTCCTCACTGCCGCCCACTGCATCAGGTGTGCGGGGATGATACCCTGAGACCTGGCCAT-3'
Protein context (NP_009203.2, residues 58-78): TCGGTLIASN[Phe68Ser]VLTAAHCISN

ClinVar aggregate classification (germline): Uncertain significance (1 of 4 stars; one submission).

Conditions:
Hereditary pancreatitis (PCTT). Also called: PRSS1-Related Hereditary Pancreatitis; Hereditary chronic pancreatitis. Identifiers: Orphanet 676, MedGen C0238339, MONDO:0008185, OMIM 167800.

Submission:

Ambry Genetics
Classification: Uncertain significance for Hereditary pancreatitis. Last evaluated: 2025-02-26. Review status: criteria provided, single submitter. Criteria: Ambry Variant Classification Scheme 2023. Collection method: clinical testing. Allele origin: germline.
Comment: The p.F68S variant (also known as c.203T>C), located in coding exon 3 of the CTRC gene, results from a T to C substitution at nucleotide position 203. The phenylalanine at codon 68 is replaced by serine, an amino acid with highly dissimilar properties. This amino acid position is conserved. In addition, the in silico prediction for this alteration is inconclusive. Based on the available evidence, the clinical significance of this variant remains unclear.